The following is an entry in ClinVar:

NM_000169.3(GLA):c.376A>T (p.Ser126Cys)

Genes: GLA (galactosidase alpha; minus strand), RPL36A-HNRNPH2 (RPL36A-HNRNPH2 readthrough; plus strand). Cytogenetic location: Xq22.1.
Variant type: single nucleotide variant.
Coding change: c.376A>T on transcript NM_000169.3 (MANE Select); coding-DNA position 376, A replaced by T.
Protein change: p.Ser126Cys; replaces serine 126 with cysteine.
Molecular consequence: missense variant. On other transcripts: non-coding transcript variant (3), intron variant (2).
Genome position (GRCh38, 1-based): chrX:101,401,803, T>A on the plus strand (A>T on the coding strand, the complement: GLA is on the minus strand). VCF-style: chrX-101401803-T-A. GRCh37 (hg19) VCF-style: chrX-100656791-T-A.
Other names: c.499A>T, p.Ser167Cys (NM_001406747.1, NM_001406749.1); c.376A>T, p.Ser126Cys (NM_001406748.1); c.300+6346T>A (NM_001199973.2); c.177+9981T>A (NM_001199974.2); short protein forms S126C, S167C.
Identifiers: ClinVar variation 4087351 (VCV004087351.2).

ClinVar aggregate classification (germline): Likely pathogenic (1 of 4 stars; one submission).

Conditions:
Fabry disease. Also called: ALPHA-GALACTOSIDASE A DEFICIENCY; ANDERSON-FABRY DISEASE; CERAMIDE TRIHEXOSIDASE DEFICIENCY; GLA DEFICIENCY; HEREDITARY DYSTOPIC LIPIDOSIS; Angiokeratoma corporis diffusum. Identifiers: Orphanet 324, MedGen C0002986, MONDO:0010526, OMIM 301500, HP:0001071. Disease mechanism: Fabry disease is due to inactivating mutations in the X-linked GLA gene resulting in deficiency of the enzyme Alpha Galactosidase-A., loss of function.

Submission:

Genomenon, Inc
Classification: Likely pathogenic for Fabry disease. Last evaluated: 2026-09-08. Review status: criteria provided, single submitter. Criteria: Genomenon Sequence Variant Interpretation Standards - Updated. Collection method: curation. Allele origin: germline. Affected: no.
Comment: GLA p.Ser126Cys (c.376A>T) is a missense variant that changes the amino acid at codon 126 from Serine to Cysteine. To our knowledge, this variant has not been reported in patients affected with Fabry disease in the published literature. At least one functional study has demonstrated a substantial alteration in protein function relative to the wild-type (PMID:23935525). It is absent or not present at a significant frequency in gnomAD. In silico models predict that this variant is possibly or probably damaging. In conclusion, we classify GLA p.Ser126Cys (c.376A>T) as a likely pathogenic variant.

Literature cited by the submitters: PubMed 23935525.